The following is an entry in ClinVar:

ClinVar aggregate classification (germline): Uncertain significance. Review status: criteria provided, multiple submitters, no conflicts (2 of 4 stars). 4 submissions from 4 submitters: Uncertain significance (4). Last evaluated 2025-02-20.

Conditions:
Inborn genetic diseases. Identifiers: MedGen C0950123, MeSH D030342.
Xanthinuria type II. Also called: Xanthine dehydrogenase and aldehyde oxidase combined deficiency of; XDH and AOX dual deficiency. Identifiers: Orphanet 3467, Orphanet 93602, MedGen C1863688, MONDO:0011346, OMIM 603592.
Hereditary xanthinuria type 1 (XAN1). Identifiers: Orphanet 3467, Orphanet 93601, MedGen C0268118, MONDO:0010209, OMIM 278300.

Allele frequency attached by ClinVar (database versions not stated): gnomAD 0.00001; ExAC 0.00005; TOPMed 0.00008; gnomAD exomes 0.00010.
gnomAD v4.1: 29 of 1,614,098 alleles (0.0018%); highest among the groups gnomAD compares: Admixed American, 0.047%; no homozygotes.

Submissions (4):

GeneDx
Classification: Uncertain significance. Last evaluated: 2025-02-20. Review status: criteria provided, single submitter. Criteria: GeneDx Variant Classification Process June 2021. Collection method: clinical testing. Allele origin: germline. Affected: yes.
Comment: In silico analysis indicates that this missense variant does not alter protein structure/function; Has not been previously published as pathogenic or benign to our knowledge

Fulgent Genetics
Classification: Uncertain significance for Hereditary xanthinuria type 1. Last evaluated: 2024-05-06. Review status: criteria provided, single submitter. Criteria: ACMG Guidelines, 2015. Collection method: clinical testing. Allele origin: germline.

Labcorp Genetics (formerly Invitae), Labcorp
Classification: Uncertain significance for Xanthinuria type II. Last evaluated: 2022-08-23. Review status: criteria provided, single submitter. Criteria: Invitae Variant Classification Sherloc (09022015). Collection method: clinical testing. Allele origin: germline.
Comment: This sequence change replaces methionine, which is neutral and non-polar, with valine, which is neutral and non-polar, at codon 761 of the XDH protein (p.Met761Val). This variant is present in population databases (rs762730020, gnomAD 0.08%). This variant has not been reported in the literature in individuals affected with XDH-related conditions. ClinVar contains an entry for this variant (Variation ID: 1441486). Algorithms developed to predict the effect of missense changes on protein structure and function are either unavailable or do not agree on the potential impact of this missense change (SIFT: "Deleterious"; PolyPhen-2: "Benign"; Align-GVGD: "Class C0"). In summary, the available evidence is currently insufficient to determine the role of this variant in disease. Therefore, it has been classified as a Variant of Uncertain Significance.

Ambry Genetics
Classification: Uncertain significance for Inborn genetic diseases. Last evaluated: 2021-12-13. Review status: criteria provided, single submitter. Criteria: Ambry Variant Classification Scheme 2023. Collection method: clinical testing. Allele origin: germline.

NM_000379.4(XDH):c.2281A>G (p.Met761Val)

Gene: XDH (xanthine dehydrogenase; minus strand). Cytogenetic location: 2p23.1.
Variant type: single nucleotide variant.
Coding change: c.2281A>G on transcript NM_000379.4 (MANE Select); coding-DNA position 2281, A replaced by G.
Protein change: p.Met761Val; replaces methionine 761 with valine.
Molecular consequence: missense variant.
Genome position (GRCh38, 1-based): chr2:31,366,911, T>C on the plus strand (A>G on the coding strand, the complement: XDH is on the minus strand). VCF-style: chr2-31366911-T-C. GRCh37 (hg19) VCF-style: chr2-31589777-T-C.
Other names: c.2281A>G (NM_000379.3); short protein forms M761V.
Identifiers: ClinVar variation 1441486 (VCV001441486.7), dbSNP rs762730020, ClinGen allele CA1598887.